The following is an entry in ClinVar:

ClinVar aggregate classification (germline): Pathogenic. Review status: criteria provided, multiple submitters, no conflicts (2 of 4 stars). 5 submissions from 5 submitters: Pathogenic (5). Last evaluated 2026-07-01.

Conditions:
Glycogen storage disease, type II (IOPD). Also called: Glycogen storage disease type 2; Acid maltase deficiency disease; Aglucosidase alfa; Deficiency of alpha-glucosidase; Deficiency of lysosomal alpha-glucosidase; Pompe Disease. Identifiers: Orphanet 365, MedGen C0017921, MONDO:0009290, OMIM 232300.

Submissions (5):

Genomenon, Inc
Classification: Pathogenic for Glycogen storage disease, type II. Last evaluated: 2026-07-01. Review status: criteria provided, single submitter. Criteria: Genomenon Sequence Variant Interpretation Standards - Updated. Collection method: curation. Allele origin: germline. Affected: yes.
Comment: GAA p.Val466GlyfsTer40 (c.1396dup) is a frameshift variant that is predicted to introduce a premature termination codon and result in a truncated or absent protein product. This variant has been observed in at least one proband with a GAA-related disorder (PMID:22595200;34020684;34501319). It is absent or not present at a significant frequency in gnomAD. In conclusion, we classify GAA p.Val466GlyfsTer40 (c.1396dup) as a pathogenic variant.

Myriad Genetics, Inc.
Classification: Pathogenic for Glycogen storage disease, type II. Last evaluated: 2026-02-12. Review status: criteria provided, single submitter. Criteria: Myriad Autosomal Dominant, Autosomal Recessive and X-Linked Classification Criteria (2023). Collection method: clinical testing. Allele origin: unknown.
Comment: NM_000152.3(GAA):c.1396dupG(V466Gfs*40) is expected to be pathogenic in the context of Pompe disease. This variant is predicted to lead to an abnormal or absent protein product due to the creation of a premature termination codon in GAA, a gene where loss-of-function variants are known to be pathogenic. Please note: this variant was assessed in the context of healthy population screening.

Foundation for Research in Genetics and Endocrinology, FRIGE's Institute of Human Genetics
Classification: Pathogenic for Glycogen storage disease, type II. Last evaluated: 2026-01-21. Review status: criteria provided, single submitter. Criteria: ACMG Guidelines, 2015. Collection method: clinical testing. Allele origin: germline. Inheritance: Autosomal recessive inheritance. Affected: yes. Observed: 1 homozygote.
Comment: A homozygous single base pair duplication in exon 9 of the GAA gene that results in a frameshift and premature truncation of the protein 40 amino acids downstream to codon 466 was detected. The observed variant c.1396dup has not been reported in the 1000 genomes and has a minor allele frequency of 0.0004% in the gnomAD database. The in silico prediction of the variant is deleterious by MutationTaster2. In summary, the variant meets our criteria to be classified as pathogenic.

Labcorp Genetics (formerly Invitae), Labcorp
Classification: Pathogenic for Glycogen storage disease, type II. Last evaluated: 2023-12-12. Review status: criteria provided, single submitter. Criteria: Invitae Variant Classification Sherloc (09022015). Collection method: clinical testing. Allele origin: germline.
Comment: This sequence change creates a premature translational stop signal (p.Val466Glyfs*40) in the GAA gene. It is expected to result in an absent or disrupted protein product. Loss-of-function variants in GAA are known to be pathogenic (PMID: 18425781, 22252923). This variant is present in population databases (no rsID available, gnomAD 0.003%). This premature translational stop signal has been observed in individual(s) with Pompe disease (PMID: 22595200, 31342611, 34501319, 34864681). For these reasons, this variant has been classified as Pathogenic.

Mayo Clinic Laboratories, Mayo Clinic
Classification: Pathogenic. Last evaluated: 2023-10-09. Review status: criteria provided, single submitter. Criteria: ACMG Guidelines, 2015. Collection method: clinical testing. Allele origin: germline. Observed: 1 variant allele.
Comment: PP4_moderate, PM2, PM3, PVS1

Literature cited by the submitters: PubMed 22595200 (cited by 3 submitters); PubMed 34020684 (cited by Genomenon, Inc); PubMed 34501319 (cited by 3 submitters); PubMed 18425781 (cited by Labcorp Genetics (formerly Invitae), Labcorp); PubMed 22252923 (cited by Labcorp Genetics (formerly Invitae), Labcorp); PubMed 31342611 (cited by Labcorp Genetics (formerly Invitae), Labcorp and Mayo Clinic Laboratories, Mayo Clinic); PubMed 34864681 (cited by Labcorp Genetics (formerly Invitae), Labcorp and Mayo Clinic Laboratories, Mayo Clinic); PubMed 29122469 (cited by Mayo Clinic Laboratories, Mayo Clinic); PubMed 33560568 (cited by Mayo Clinic Laboratories, Mayo Clinic).

NM_000152.5(GAA):c.1396dup (p.Val466fs)

Gene: GAA (alpha glucosidase; plus strand). Cytogenetic location: 17q25.3.
Variant type: Duplication.
Coding change: c.1396dup on transcript NM_000152.5 (MANE Select); coding-DNA position 1396, one base duplicated (G; older notation c.1396dupG).
Protein change: p.Val466fs; shifts the reading frame from valine 466.
Molecular consequence: frameshift variant.
Genome position (GRCh38, 1-based): chr17:80,110,014, G duplicated; the last of 6 consecutive G bases (chr17:80,110,009-80,110,014); duplicating any one gives the same sequence. VCF-style (leftmost placement, unchanged base first): chr17-80110008-A-AG. GRCh37 (hg19) VCF-style: chr17-78083807-A-AG.
Other names: p.Val466Glyfs*40; p.Val466GlyfsTer40; c.1396dup, p.Val466fs (NM_001079803.3, NM_001079804.3, NM_001406741.1 and 1 more transcripts); short protein forms V466fs.
Identifiers: ClinVar variation 2675790 (VCV002675790.8), dbSNP rs1273392818, ClinGen allele CA627699396.